The following is an entry in ClinVar:

NM_206933.4(USH2A):c.13337del (p.Asn4446fs)

Gene: USH2A (usherin; minus strand). Cytogenetic location: 1q41.
Variant type: Deletion.
Coding change: c.13337del on transcript NM_206933.4 (MANE Select); coding-DNA position 13337, one base deleted (A; older notation c.13337delA).
Protein change: p.Asn4446fs; shifts the reading frame from asparagine 4446.
Molecular consequence: frameshift variant.
Genome position (GRCh38, 1-based): chr1:215,674,574, T deleted on the plus strand (A on the coding strand, the reverse complement: USH2A is on the minus strand); the first of 2 consecutive T bases (chr1:215,674,574-215,674,575); deleting either gives the same sequence. VCF-style (leftmost placement, unchanged base first): chr1-215674573-GT-G. GRCh37 (hg19) VCF-style: chr1-215847915-GT-G.
Other names: short protein forms N4446fs.
Identifiers: ClinVar variation 2762951 (VCV002762951.3), dbSNP rs2464895878, ClinGen allele CA2697554897.

ClinVar aggregate classification (germline): Pathogenic (1 of 4 stars; one submission).

Submission:

Labcorp Genetics (formerly Invitae), Labcorp
Classification: Pathogenic. Last evaluated: 2023-09-23. Review status: criteria provided, single submitter. Criteria: Invitae Variant Classification Sherloc (09022015). Collection method: clinical testing. Allele origin: germline.
Comment: This sequence change creates a premature translational stop signal (p.Asn4446Thrfs*15) in the USH2A gene. It is expected to result in an absent or disrupted protein product. Loss-of-function variants in USH2A are known to be pathogenic (PMID: 10729113, 10909849, 20507924, 25649381). This variant is not present in population databases (gnomAD no frequency). For these reasons, this variant has been classified as Pathogenic. This variant has not been reported in the literature in individuals affected with USH2A-related conditions.

Literature cited by the submitters: PubMed 10729113; PubMed 10909849; PubMed 20507924; PubMed 25649381.